The following is an entry in ClinVar:

NM_018136.5(ASPM):c.8450C>A (p.Ala2817Asp)

Gene: ASPM (assembly factor for spindle microtubules; minus strand). Cytogenetic location: 1q31.3.
Variant type: single nucleotide variant.
Coding change: c.8450C>A on transcript NM_018136.5 (MANE Select); coding-DNA position 8450, C replaced by A.
Protein change: p.Ala2817Asp; replaces alanine 2817 with aspartic acid.
Molecular consequence: missense variant. On other transcripts: intron variant (1).
Genome position (GRCh38, 1-based): chr1:197,100,801, G>T on the plus strand (C>A on the coding strand, the complement: ASPM is on the minus strand). VCF-style: chr1-197100801-G-T. GRCh37 (hg19) VCF-style: chr1-197069931-G-T.
Other names: c.4066-4637C>A (NM_001206846.2); c.8450C>A (NM_018136.4); short protein forms A2817D.
Identifiers: ClinVar variation 3382845 (VCV003382845.2).

ClinVar aggregate classification (germline): Uncertain significance. Review status: criteria provided, multiple submitters, no conflicts (2 of 4 stars). 2 submissions from 2 submitters: Uncertain significance (2). Last evaluated 2025-09-10.

Conditions:
Microcephaly 5, primary, autosomal recessive (MCPH5). Also called: ASPM Primary Microcephaly. Identifiers: Orphanet 2512, MedGen C1837501, MONDO:0012106, OMIM 608716.
Inborn genetic diseases. Identifiers: MedGen C0950123, MeSH D030342.

gnomAD v4.1: 3 of 1,612,524 alleles (0.00019%); highest among the groups gnomAD compares: East Asian, 0.0067%; no homozygotes.

Submissions (2):

Ambry Genetics
Classification: Uncertain significance for Inborn genetic diseases. Last evaluated: 2025-09-10. Review status: criteria provided, single submitter. Criteria: Ambry Variant Classification Scheme 2023. Collection method: clinical testing. Allele origin: germline.

Juno Genomics, Hangzhou Juno Genomics, Inc
Classification: Uncertain significance for Microcephaly 5, primary, autosomal recessive. Review status: criteria provided, single submitter. Criteria: ACMG Guidelines, 2015. Collection method: clinical testing. Allele origin: germline. Affected: yes.
Comment: Absent from controls (or at extremely low frequency if recessive) in Genome Aggregation Database, Exome Sequencing Project, 1000 Genomes Project, or Exome Aggregation Consortium.;For recessive disorders, detected in trans with a pathogenic variant.